The following is an entry in ClinVar:

ClinVar aggregate classification (germline): Uncertain significance (1 of 4 stars; one submission).

Conditions:
Familial acute necrotizing encephalopathy (IIAE3). Also called: ENCEPHALOPATHY, ACUTE, INFECTION-INDUCED, SUSCEPTIBILITY TO, 3; Susceptibility to Acute Necrotizing Encephalopathy 1. Identifiers: Orphanet 88619, MedGen C2675556, MONDO:0011953, OMIM 608033.

Allele frequency attached by ClinVar (database versions not stated): gnomAD exomes below 0.00001; ExAC 0.00001; gnomAD 0.00001; TOPMed 0.00002.
gnomAD v4.1: 6 of 1,611,696 alleles (0.00037%); highest among the groups gnomAD compares: African/African-American, 0.0013%; no homozygotes.

Submission:

Labcorp Genetics (formerly Invitae), Labcorp
Classification: Uncertain significance for Familial acute necrotizing encephalopathy. Last evaluated: 2022-07-13. Review status: criteria provided, single submitter. Criteria: Invitae Variant Classification Sherloc (09022015). Collection method: clinical testing. Allele origin: germline.
Comment: This sequence change replaces serine, which is neutral and polar, with cysteine, which is neutral and slightly polar, at codon 673 of the RANBP2 protein (p.Ser673Cys). This variant is present in population databases (rs756408556, gnomAD 0.007%). This variant has not been reported in the literature in individuals affected with RANBP2-related conditions. Algorithms developed to predict the effect of missense changes on protein structure and function are either unavailable or do not agree on the potential impact of this missense change (SIFT: "Deleterious"; PolyPhen-2: "Benign"; Align-GVGD: "Class C15"). In summary, the available evidence is currently insufficient to determine the role of this variant in disease. Therefore, it has been classified as a Variant of Uncertain Significance.

NM_006267.5(RANBP2):c.2018C>G (p.Ser673Cys)

Gene: RANBP2 (RAN binding protein 2; plus strand). Cytogenetic location: 2q13.
Variant type: single nucleotide variant.
Coding change: c.2018C>G on transcript NM_006267.5 (MANE Select); coding-DNA position 2018, C replaced by G.
Protein change: p.Ser673Cys; replaces serine 673 with cysteine.
Molecular consequence: missense variant.
Genome position (GRCh38, 1-based): chr2:108,753,526, C>G. VCF-style: chr2-108753526-C-G. GRCh37 (hg19) VCF-style: chr2-109369982-C-G.
Other names: c.2018C>G, p.Ser673Cys (NM_001415871.1, NM_001415873.1); c.2015C>G, p.Ser672Cys (NM_001415872.1); short protein forms S672C, S673C.
Identifiers: ClinVar variation 2428423 (VCV002428423.7), dbSNP rs756408556, ClinGen allele CA1822511.